The following is an entry in ClinVar:

NM_001022.4(RPS19):c.245G>T (p.Arg82Leu)

Genes: RPS19 (ribosomal protein S19; plus strand), RPS19-CD79A (RPS19-CD79A readthrough; plus strand). Cytogenetic location: 19q13.2.
Variant type: single nucleotide variant.
Coding change: c.245G>T on transcript NM_001022.4 (MANE Select); coding-DNA position 245, G replaced by T.
Protein change: p.Arg82Leu; replaces arginine 82 with leucine.
Molecular consequence: missense variant. On other transcripts: synonymous variant (1).
Genome position (GRCh38, 1-based): chr19:41,869,103, G>T. VCF-style: chr19-41869103-G-T. GRCh37 (hg19) VCF-style: chr19-42373173-G-T.
Other names: c.245G>T, p.Arg82Leu (NM_001321483.2, NM_001321484.2); c.258G>T, p.Thr86= (NM_001321485.2); short protein forms R82L.
Identifiers: ClinVar variation 1721316 (VCV001721316.6), dbSNP rs782814286, ClinGen allele CA406030249.

ClinVar aggregate classification (germline): Uncertain significance (1 of 4 stars; one submission).

Conditions:
Diamond-Blackfan anemia. Also called: Blackfan Diamond syndrome; Aregenerative anemia chronic congenital; Red cell aplasia, pure hereditary; Congenital hypoplastic anemia; Aase syndrome. Identifiers: Orphanet 124, MedGen C1260899, MeSH D029503, MONDO:0015253, HP:0004810.

Submission:

Labcorp Genetics (formerly Invitae), Labcorp
Classification: Uncertain significance for Diamond-Blackfan anemia. Last evaluated: 2022-10-08. Review status: criteria provided, single submitter. Criteria: Invitae Variant Classification Sherloc (09022015). Collection method: clinical testing. Allele origin: germline.
Comment: In summary, the available evidence is currently insufficient to determine the role of this variant in disease. Therefore, it has been classified as a Variant of Uncertain Significance. Algorithms developed to predict the effect of missense changes on protein structure and function (SIFT, PolyPhen-2, Align-GVGD) all suggest that this variant is likely to be tolerated. This variant has not been reported in the literature in individuals affected with RPS19-related conditions. This variant is not present in population databases (gnomAD no frequency). This sequence change replaces arginine, which is basic and polar, with leucine, which is neutral and non-polar, at codon 82 of the RPS19 protein (p.Arg82Leu).